The following is an entry in ClinVar:

ClinVar aggregate classification (germline): Uncertain significance. Review status: criteria provided, multiple submitters, no conflicts (2 of 4 stars). 2 submissions from 2 submitters: Uncertain significance (2). Last evaluated 2024-12-14.

Conditions:
Emery-Dreifuss muscular dystrophy 5, autosomal dominant (EDMD5). Also called: EMERY-DREIFUSS MUSCULAR DYSTROPHY 5. Identifiers: Orphanet 261, MedGen C2751805, MONDO:0013072, OMIM 612999.

Allele frequency attached by ClinVar (database versions not stated): gnomAD 0.00001; ExAC 0.00002; gnomAD exomes 0.00002 and 0.00004; TOPMed 0.00003; ESP Exome Variant Server 0.00008.

Submissions (2):

Labcorp Genetics (formerly Invitae), Labcorp
Classification: Uncertain significance for Emery-Dreifuss muscular dystrophy 5, autosomal dominant. Last evaluated: 2024-12-14. Review status: criteria provided, single submitter. Criteria: Invitae Variant Classification Sherloc (09022015). Collection method: clinical testing. Allele origin: germline.
Comment: This sequence change replaces arginine, which is basic and polar, with cysteine, which is neutral and slightly polar, at codon 6002 of the SYNE2 protein (p.Arg6002Cys). This variant is present in population databases (rs369083384, gnomAD 0.004%). This variant has not been reported in the literature in individuals affected with SYNE2-related conditions. ClinVar contains an entry for this variant (Variation ID: 939158). An algorithm developed to predict the effect of missense changes on protein structure and function (PolyPhen-2) suggests that this variant is likely to be disruptive. In summary, the available evidence is currently insufficient to determine the role of this variant in disease. Therefore, it has been classified as a Variant of Uncertain Significance.

Ambry Genetics
Classification: Uncertain significance. Last evaluated: 2024-07-25. Review status: criteria provided, single submitter. Criteria: Ambry Variant Classification Scheme 2023. Collection method: clinical testing. Allele origin: germline.

NM_182914.3(SYNE2):c.18004C>T (p.Arg6002Cys)

Gene: SYNE2 (spectrin repeat containing nuclear envelope protein 2; plus strand). Cytogenetic location: 14q23.2.
Variant type: single nucleotide variant.
Coding change: c.18004C>T on transcript NM_182914.3 (MANE Select); coding-DNA position 18004, C replaced by T.
Protein change: p.Arg6002Cys; replaces arginine 6002 with cysteine.
Molecular consequence: missense variant.
Genome position (GRCh38, 1-based): chr14:64,190,203, C>T. VCF-style: chr14-64190203-C-T. GRCh37 (hg19) VCF-style: chr14-64656921-C-T.
Other names: c.18004C>T, p.Arg6002Cys (NM_015180.6); short protein forms R6002C.
Identifiers: ClinVar variation 939158 (VCV000939158.6), dbSNP rs369083384, ClinGen allele CA7223893.
Genomic context (GRCh38, chr14:64,190,203, plus strand): 5'-AAGGCCAGCAACAAATCAAGAGCAGCTGAGATCGATGACAAGCTCAACAAAATTAACGAT[C>T]GTTGGCAACATCTTTTTGATGTCATCGGATCAAGGTAAGAAATGGGCTAAAAATGATTAC-3'
Protein context (NP_878918.2, residues 5992-6012): IDDKLNKIND[Arg6002Cys]WQHLFDVIGS